The following is an entry in ClinVar:

NM_003922.4(HERC1):c.11036G>A (p.Arg3679His)

Gene: HERC1 (HECT and RLD domain containing E3 ubiquitin protein ligase family member 1; minus strand). Cytogenetic location: 15q22.31.
Variant type: single nucleotide variant.
Coding change: c.11036G>A on transcript NM_003922.4 (MANE Select); coding-DNA position 11036, G replaced by A.
Protein change: p.Arg3679His; replaces arginine 3679 with histidine.
Molecular consequence: missense variant.
Genome position (GRCh38, 1-based): chr15:63,645,525, C>T on the plus strand (G>A on the coding strand, the complement: HERC1 is on the minus strand). VCF-style: chr15-63645525-C-T. GRCh37 (hg19) VCF-style: chr15-63937724-C-T.
Other names: short protein forms R3679H.
Identifiers: ClinVar variation 377293 (VCV000377293.23), dbSNP rs143508709, ClinGen allele CA7604337.

ClinVar aggregate classification (germline): Benign/Likely benign. Review status: criteria provided, multiple submitters, no conflicts (2 of 4 stars). 5 submissions from 5 submitters: Benign (2); Likely benign (3). Last evaluated 2026-01-27.

Allele frequency attached by ClinVar (database versions not stated): gnomAD exomes 0.00049 and 0.00133; ExAC 0.00157; ESP Exome Variant Server 0.00465; 1000 Genomes Project 30x 0.00515; gnomAD 0.00522 and 0.00573; 1000 Genomes Project 0.00539; TOPMed 0.00596.
gnomAD v4.1: 1,558 of 1,611,716 alleles (0.097%); highest among the groups gnomAD compares: African/African-American, 1.9%; 9 homozygotes.

Submissions (5):

Labcorp Genetics (formerly Invitae), Labcorp
Classification: Benign. Last evaluated: 2026-01-27. Review status: criteria provided, single submitter. Criteria: Invitae Variant Classification Sherloc (09022015). Collection method: clinical testing. Allele origin: germline.

CeGaT Center for Human Genetics Tuebingen
Classification: Likely benign. Last evaluated: 2025-11-01. Review status: criteria provided, single submitter. Criteria: CeGaT Center For Human Genetics Tuebingen Variant Classification Criteria Version 2. Collection method: clinical testing. Allele origin: germline. Affected: yes. Observed: 2 variant alleles.
Comment: HERC1: BP4, BS1

GeneDx
Classification: Benign. Last evaluated: 2021-06-09. Review status: criteria provided, single submitter. Criteria: GeneDx Variant Classification Process June 2021. Collection method: clinical testing. Allele origin: germline. Affected: yes.
Comment: This variant is associated with the following publications: (PMID: 25363768)

Center for Pediatric Genomic Medicine, Children's Mercy Hospital and Clinics
Classification: Likely benign. Last evaluated: 2017-01-17. Review status: criteria provided, single submitter. Criteria: ACMG Guidelines, 2015. Collection method: clinical testing. Allele origin: germline.
ClinVar note: Converted during submission from Likely Benign to Likely benign.

Breakthrough Genomics
Classification: Likely benign. Review status: criteria provided, single submitter. Criteria: ACMG Guidelines, 2015. Collection method: not provided. Allele origin: germline. Inheritance: Autosomal recessive inheritance. Affected: yes.